The following is an entry in ClinVar:

ClinVar aggregate classification (germline): Uncertain significance (1 of 4 stars; one submission).

gnomAD v4.1: 3 of 1,614,176 alleles (0.00019%); highest among the groups gnomAD compares: Non-Finnish European, 0.00025%; no homozygotes.

Submission:

CeGaT Center for Human Genetics Tuebingen
Classification: Uncertain significance. Last evaluated: 2024-09-01. Review status: criteria provided, single submitter. Criteria: CeGaT Center For Human Genetics Tuebingen Variant Classification Criteria Version 2. Collection method: clinical testing. Allele origin: germline. Affected: yes. Observed: 1 variant allele.
Comment: WDR11: PM2, PP3

NM_018117.12(WDR11):c.3346C>T (p.Leu1116Phe)

Gene: WDR11 (WD repeat domain 11; plus strand). Cytogenetic location: 10q26.12.
Variant type: single nucleotide variant.
Coding change: c.3346C>T on transcript NM_018117.12 (MANE Select); coding-DNA position 3346, C replaced by T.
Protein change: p.Leu1116Phe; replaces leucine 1116 with phenylalanine.
Molecular consequence: missense variant.
Genome position (GRCh38, 1-based): chr10:120,905,930, C>T. VCF-style: chr10-120905930-C-T. GRCh37 (hg19) VCF-style: chr10-122665442-C-T.
Other names: short protein forms L1116F.
Identifiers: ClinVar variation 3389475 (VCV003389475.14).